The following is an entry in ClinVar:

ClinVar aggregate classification (germline): Uncertain significance. Review status: criteria provided, multiple submitters, no conflicts (2 of 4 stars). 2 submissions from 2 submitters: Uncertain significance (2). Last evaluated 2024-03-26.

Conditions:
Duchenne muscular dystrophy (DMD). Also called: MUSCULAR DYSTROPHY, PSEUDOHYPERTROPHIC PROGRESSIVE, DUCHENNE TYPE; Duchenne Muscular Dystrophy (DMD). Identifiers: Orphanet 98896, MedGen C0013264, MONDO:0010679, OMIM 310200.

gnomAD v4.1: 1 of 1,210,544 alleles (0.000083%); highest among the groups gnomAD compares: Non-Finnish European, 0.00011%; no homozygotes.

Submissions (2):

Revvity Omics, Revvity
Classification: Uncertain significance. Last evaluated: 2024-03-26. Review status: criteria provided, single submitter. Criteria: ACMG Guidelines, 2015. Collection method: clinical testing. Allele origin: germline.

Labcorp Genetics (formerly Invitae), Labcorp
Classification: Uncertain significance for Duchenne muscular dystrophy. Last evaluated: 2021-04-28. Review status: criteria provided, single submitter. Criteria: Invitae Variant Classification Sherloc (09022015). Collection method: clinical testing. Allele origin: germline.
Comment: In summary, the available evidence is currently insufficient to determine the role of this variant in disease. Therefore, it has been classified as a Variant of Uncertain Significance. Algorithms developed to predict the effect of missense changes on protein structure and function are either unavailable or do not agree on the potential impact of this missense change (SIFT: "Deleterious"; PolyPhen-2: "Probably Damaging"; Align-GVGD: "Class C15"). This variant has not been reported in the literature in individuals with DMD-related conditions. This variant is not present in population databases (ExAC no frequency). This sequence change replaces valine with methionine at codon 688 of the DMD protein (p.Val688Met). The valine residue is highly conserved and there is a small physicochemical difference between valine and methionine.

NM_004006.3(DMD):c.2062G>A (p.Val688Met)

Gene: DMD (dystrophin; minus strand). Cytogenetic location: Xp21.1.
Variant type: single nucleotide variant.
Coding change: c.2062G>A on transcript NM_004006.3 (MANE Select); coding-DNA position 2062, G replaced by A.
Protein change: p.Val688Met; replaces valine 688 with methionine.
Molecular consequence: missense variant.
Genome position (GRCh38, 1-based): chrX:32,545,265, C>T on the plus strand (G>A on the coding strand, the complement: DMD is on the minus strand). VCF-style: chrX-32545265-C-T. GRCh37 (hg19) VCF-style: chrX-32563382-C-T.
Other names: c.2038G>A, p.Val680Met (NM_000109.4); c.2050G>A, p.Val684Met (NM_004009.3); c.1693G>A, p.Val565Met (NM_004010.3); c.2062G>A (NM_004006.2); short protein forms V565M, V680M, V684M, V688M.
Identifiers: ClinVar variation 1421078 (VCV001421078.10), dbSNP rs2148959937, ClinGen allele CA412668403.